The following is an entry in ClinVar:

NM_000038.6(APC):c.-19+904G>T

Gene: APC (APC regulator of WNT signaling pathway; plus strand). Cytogenetic location: 5q22.2.
Variant type: single nucleotide variant.
Coding change: c.-19+904G>T on transcript NM_000038.6 (MANE Select); 904 bases into the intron after 19 bases upstream of the start codon, G replaced by T.
Molecular consequence: intron variant.
Genome position (GRCh38, 1-based): chr5:112,738,829, G>T. VCF-style: chr5-112738829-G-T. GRCh37 (hg19) VCF-style: chr5-112074526-G-T.
Other names: c.-18-16044G>T (NM_001354895.2); c.166-27497G>T (NM_001354897.2, NM_001354902.2, NM_001127511.3); c.-19+369G>T (NM_001127510.3); c.60+369G>T (NM_001354898.2, NM_001354904.2); c.-1054+904G>T (NM_001354906.2); c.-19+904G>T (NM_001354896.2, NM_001354903.2, NM_001354899.2); c.-43+904G>T (NM_001354900.2, NM_001354901.2, NM_001354905.2).
Identifiers: ClinVar variation 82332 (VCV000082332.2), dbSNP rs79375613, ClinGen allele CA007145.

ClinVar aggregate classification (germline): other (0 of 4 stars; one submission).

Conditions:
Familial colorectal cancer. Identifiers: MedGen CN280943, MONDO:0023113. Disease mechanism: loss of function.

Submission:

Systems Biology Platform Zhejiang California International NanoSystems Institute
Classification: other for Familial colorectal cancer. Review status: no assertion criteria provided. Collection method: not provided. Allele origin: unknown.
ClinVar note: Converted during submission from cancer to other.